The following is an entry in ClinVar:

ClinVar aggregate classification (germline): Uncertain significance (1 of 4 stars; one submission).

Submission:

Labcorp Genetics (formerly Invitae), Labcorp
Classification: Uncertain significance. Last evaluated: 2022-12-03. Review status: criteria provided, single submitter. Criteria: Invitae Variant Classification Sherloc (09022015). Collection method: clinical testing. Allele origin: germline.
Comment: Advanced modeling of protein sequence and biophysical properties (such as structural, functional, and spatial information, amino acid conservation, physicochemical variation, residue mobility, and thermodynamic stability) performed at Invitae indicates that this missense variant is not expected to disrupt CACNA1F protein function. In summary, the available evidence is currently insufficient to determine the role of this variant in disease. Therefore, it has been classified as a Variant of Uncertain Significance. This sequence change replaces methionine, which is neutral and non-polar, with valine, which is neutral and non-polar, at codon 1426 of the CACNA1F protein (p.Met1426Val). This variant is not present in population databases (gnomAD no frequency). This variant has not been reported in the literature in individuals affected with CACNA1F-related conditions.

NM_001256789.3(CACNA1F):c.4243A>G (p.Met1415Val)

Gene: CACNA1F (calcium voltage-gated channel subunit alpha1 F; minus strand). Cytogenetic location: Xp11.23.
Variant type: single nucleotide variant.
Coding change: c.4243A>G on transcript NM_001256789.3 (MANE Select); coding-DNA position 4243, A replaced by G.
Protein change: p.Met1415Val; replaces methionine 1415 with valine.
Molecular consequence: missense variant.
Genome position (GRCh38, 1-based): chrX:49,211,339, T>C on the plus strand (A>G on the coding strand, the complement: CACNA1F is on the minus strand). VCF-style: chrX-49211339-T-C. GRCh37 (hg19) VCF-style: chrX-49067799-T-C.
Other names: c.4081A>G, p.Met1361Val (NM_001256790.3); c.4276A>G, p.Met1426Val (NM_005183.4); short protein forms M1415V, M1361V, M1426V.
Identifiers: ClinVar variation 2779738 (VCV002779738.3), dbSNP rs2520788552, ClinGen allele CA412961489.